The following is an entry in ClinVar:

ClinVar aggregate classification (germline): Likely pathogenic (1 of 4 stars; one submission).

Conditions:
SI-related disorder. Also called: SI-related condition.

Allele frequency attached by ClinVar (database versions not stated): gnomAD exomes below 0.00001.
gnomAD v4.1: 2 of 1,607,472 alleles (0.00012%); highest among the groups gnomAD compares: East Asian, 0.0045%; no homozygotes.

Submission:

PreventionGenetics, part of Exact Sciences
Classification: Likely pathogenic for SI-related condition. Last evaluated: 2023-10-03. Review status: criteria provided, single submitter. Criteria: ACMG Guidelines, 2015. Collection method: clinical testing. Allele origin: germline.
Comment: The SI c.2892+1G>C variant is predicted to disrupt the GT donor site and interfere with normal splicing. To our knowledge, this variant has not been reported in the literature or in a large population database, indicating this variant is rare. Variants that disrupt the consensus splice donor site in SI are expected to be pathogenic. This variant is interpreted as likely pathogenic.

NM_001041.4(SI):c.2892+1G>C

Gene: SI (sucrase-isomaltase; minus strand). Cytogenetic location: 3q26.1.
Variant type: single nucleotide variant.
Coding change: c.2892+1G>C on transcript NM_001041.4 (MANE Select); the canonical splice donor site of the intron after coding-DNA position 2892, G replaced by C.
Molecular consequence: splice donor variant.
Genome position (GRCh38, 1-based): chr3:165,030,711, C>G on the plus strand (G>C on the coding strand, the complement: SI is on the minus strand). VCF-style: chr3-165030711-C-G. GRCh37 (hg19) VCF-style: chr3-164748499-C-G.
Identifiers: ClinVar variation 2631089 (VCV002631089.1), dbSNP rs2473317311, ClinGen allele CA355044873.